The following is an entry in ClinVar:

ClinVar aggregate classification (germline): Uncertain significance. Review status: criteria provided, multiple submitters, no conflicts (2 of 4 stars). 2 submissions from 2 submitters: Uncertain significance (2). Last evaluated 2025-03-24.

Conditions:
Cardiovascular phenotype. Identifiers: MedGen CN230736.
Hereditary cancer-predisposing syndrome. Also called: Hereditary Cancer Syndrome; Hereditary neoplastic syndrome; Neoplastic Syndromes, Hereditary; Tumor predisposition. Identifiers: Orphanet 140162, MedGen C0027672, MeSH D009386, MONDO:0015356.

gnomAD v4.1: 1 of 1,614,104 alleles (0.000062%); no homozygotes.

Submissions (2):

Labcorp Genetics (formerly Invitae), Labcorp
Classification: Uncertain significance. Last evaluated: 2025-03-24. Review status: criteria provided, single submitter. Criteria: Invitae Variant Classification Sherloc (09022015). Collection method: clinical testing. Allele origin: germline.
Comment: This sequence change replaces tryptophan, which is neutral and slightly polar, with arginine, which is basic and polar, at codon 188 of the LZTR1 protein (p.Trp188Arg). This variant is not present in population databases (gnomAD no frequency). This variant has not been reported in the literature in individuals affected with LZTR1-related conditions. ClinVar contains an entry for this variant (Variation ID: 1748752). Invitae Evidence Modeling of protein sequence and biophysical properties (such as structural, functional, and spatial information, amino acid conservation, physicochemical variation, residue mobility, and thermodynamic stability) indicates that this missense variant is not expected to disrupt LZTR1 protein function with a negative predictive value of 80%. In summary, the available evidence is currently insufficient to determine the role of this variant in disease. Therefore, it has been classified as a Variant of Uncertain Significance.

Ambry Genetics
Classification: Uncertain significance for Cardiovascular phenotype; Hereditary cancer-predisposing syndrome. Last evaluated: 2021-04-13. Review status: criteria provided, single submitter. Criteria: Ambry Variant Classification Scheme 2023. Collection method: clinical testing. Allele origin: germline.
Comment: The p.W188R variant (also known as c.562T>C), located in coding exon 6 of the LZTR1 gene, results from a T to C substitution at nucleotide position 562. The tryptophan at codon 188 is replaced by arginine, an amino acid with dissimilar properties. This amino acid position is highly conserved in available vertebrate species. In addition, this alteration is predicted to be deleterious by in silico analysis. Since supporting evidence is limited at this time, the clinical significance of this alteration remains unclear.

NM_006767.4(LZTR1):c.562T>C (p.Trp188Arg)

Gene: LZTR1 (leucine zipper like post translational regulator 1; plus strand). Cytogenetic location: 22q11.21.
Variant type: single nucleotide variant.
Coding change: c.562T>C on transcript NM_006767.4 (MANE Select); coding-DNA position 562, T replaced by C.
Protein change: p.Trp188Arg; replaces tryptophan 188 with arginine.
Molecular consequence: missense variant.
Genome position (GRCh38, 1-based): chr22:20,988,841, T>C. VCF-style: chr22-20988841-T-C. GRCh37 (hg19) VCF-style: chr22-21343130-T-C.
Other names: short protein forms W188R.
Identifiers: ClinVar variation 1748752 (VCV001748752.3), dbSNP rs2518614157, ClinGen allele CA410780182.